The following is an entry in ClinVar:

NM_004360.5(CDH1):c.611T>A (p.Val204Asp)

Gene: CDH1 (cadherin 1; plus strand). Cytogenetic location: 16q22.1.
Variant type: single nucleotide variant.
Coding change: c.611T>A on transcript NM_004360.5 (MANE Select); coding-DNA position 611, T replaced by A.
Protein change: p.Val204Asp; replaces valine 204 with aspartic acid.
Molecular consequence: missense variant. On other transcripts: 5 prime UTR variant (2).
Genome position (GRCh38, 1-based): chr16:68,808,772, T>A. VCF-style: chr16-68808772-T-A. GRCh37 (hg19) VCF-style: chr16-68842675-T-A.
Other names: c.611T>A, p.Val204Asp (NM_001317184.2); c.-1005T>A (NM_001317185.2); c.-1209T>A (NM_001317186.2); short protein forms V204D.
Identifiers: ClinVar variation 2094394 (VCV002094394.4), dbSNP rs754581268, ClinGen allele CA396458006.

ClinVar aggregate classification (germline): Uncertain significance (1 of 4 stars; one submission).

Conditions:
Hereditary diffuse gastric adenocarcinoma (HDGC). Also called: DIFFUSE GASTRIC AND LOBULAR BREAST CANCER SYNDROME. Identifiers: Orphanet 26106, MedGen C1708349, MONDO:0007648, OMIM 137215.

Submission:

Labcorp Genetics (formerly Invitae), Labcorp
Classification: Uncertain significance for Hereditary diffuse gastric adenocarcinoma. Last evaluated: 2022-02-07. Review status: criteria provided, single submitter. Criteria: Invitae Variant Classification Sherloc (09022015). Collection method: clinical testing. Allele origin: germline.
Comment: This sequence change replaces valine, which is neutral and non-polar, with aspartic acid, which is acidic and polar, at codon 204 of the CDH1 protein (p.Val204Asp). This variant is not present in population databases (gnomAD no frequency). This variant has not been reported in the literature in individuals affected with CDH1-related conditions. Algorithms developed to predict the effect of missense changes on protein structure and function (SIFT, PolyPhen-2, Align-GVGD) all suggest that this variant is likely to be disruptive. In summary, the available evidence is currently insufficient to determine the role of this variant in disease. Therefore, it has been classified as a Variant of Uncertain Significance.